The following is an entry in ClinVar:

ClinVar aggregate classification (germline): Likely benign. Review status: criteria provided, single submitter (1 of 4 stars). 2 submissions from 2 submitters: Likely benign (1). 1 of the submissions does not count toward it. Last evaluated 2025-10-07.

Conditions:
P4HB-related disorder. Also called: P4HB-related condition.

Allele frequency attached by ClinVar (database versions not stated): ExAC 0.00007; gnomAD exomes 0.00008 and 0.00009; gnomAD 0.00012 and 0.00013; TOPMed 0.00014; ESP Exome Variant Server 0.00023.
gnomAD v4.1: 154 of 1,613,712 alleles (0.0095%); highest among the groups gnomAD compares: African/African-American, 0.024%; no homozygotes.

Submissions (2):

Labcorp Genetics (formerly Invitae), Labcorp
Classification: Likely benign. Last evaluated: 2025-10-07. Review status: criteria provided, single submitter. Criteria: Invitae Variant Classification Sherloc (09022015). Collection method: clinical testing. Allele origin: germline.

PreventionGenetics, part of Exact Sciences
Classification: Likely benign for P4HB-related condition. Last evaluated: 2022-10-19. Review status: no assertion criteria provided. Collection method: clinical testing. Allele origin: germline. Not counted in ClinVar's aggregate classification.
Comment: This variant is classified as likely benign based on ACMG/AMP sequence variant interpretation guidelines (Richards et al. 2015 PMID: 25741868, with internal and published modifications).

NM_000918.4(P4HB):c.873C>T (p.Ile291=)

Gene: P4HB (prolyl 4-hydroxylase subunit beta; minus strand). Cytogenetic location: 17q25.3.
Variant type: single nucleotide variant.
Coding change: c.873C>T on transcript NM_000918.4 (MANE Select); coding-DNA position 873, C replaced by T.
Protein change: p.Ile291=; no amino-acid change (isoleucine 291 retained).
Molecular consequence: synonymous variant.
Genome position (GRCh38, 1-based): chr17:81,846,612, G>A on the plus strand (C>T on the coding strand, the complement: P4HB is on the minus strand). VCF-style: chr17-81846612-G-A. GRCh37 (hg19) VCF-style: chr17-79804488-G-A.
Identifiers: ClinVar variation 748603 (VCV000748603.10), dbSNP rs151018460, ClinGen allele CA8842799.
Genomic context (GRCh38, chr17:81,846,612, plus strand): 5'-CTCTTCCTTCTTCAGGCCAAAGAACTCGAGGATGCGCTGGTTGTCGGTGTGGTCGCTGTC[G>A]ATGAAGATGAACAGGATCTGGGGGAGAAAAGGAGGTTGCACAGGTGCGGGAGACGGCTGG-3'
Protein context (NP_000909.2, residues 281-301): SFKGKILFIF[Ile291=]DSDHTDNQRI